The following is an entry in ClinVar:

ClinVar aggregate classification (germline): Likely pathogenic (1 of 4 stars; one submission).

Conditions:
Kleefstra syndrome 2 (KLEFS2). Identifiers: MedGen C4540395, MONDO:0054701, OMIM 617768.

Submission:

Juno Genomics, Hangzhou Juno Genomics, Inc
Classification: Likely pathogenic for Kleefstra syndrome 2. Review status: criteria provided, single submitter. Criteria: ACMG Guidelines, 2015. Collection method: clinical testing. Allele origin: germline. Affected: yes.
Comment: Absent from controls (or at extremely low frequency if recessive) in Genome Aggregation Database.;Null variant in a gene where loss of function (LOF) is a known mechanism of disease.

NM_170606.3(KMT2C):c.11637C>G (p.Tyr3879Ter)

Gene: KMT2C (lysine methyltransferase 2C; minus strand). Cytogenetic location: 7q36.1.
Variant type: single nucleotide variant.
Coding change: c.11637C>G on transcript NM_170606.3 (MANE Select); coding-DNA position 11637, C replaced by G.
Protein change: p.Tyr3879Ter; replaces tyrosine 3879 with a stop codon.
Molecular consequence: nonsense.
Genome position (GRCh38, 1-based): chr7:152,158,896, G>C on the plus strand (C>G on the coding strand, the complement: KMT2C is on the minus strand). VCF-style: chr7-152158896-G-C. GRCh37 (hg19) VCF-style: chr7-151855981-G-C.
Other names: short protein forms Y3879*.
Identifiers: ClinVar variation 5019635 (VCV005019635.1).